The following is an entry in ClinVar:

ClinVar aggregate classification (germline): Uncertain significance (1 of 4 stars; one submission).

gnomAD v4.1: 1 of 1,614,118 alleles (0.000062%); highest among the groups gnomAD compares: African/African-American, 0.0013%; no homozygotes.

Submission:

Labcorp Genetics (formerly Invitae), Labcorp
Classification: Uncertain significance. Last evaluated: 2024-11-11. Review status: criteria provided, single submitter. Criteria: Invitae Variant Classification Sherloc (09022015). Collection method: clinical testing. Allele origin: germline.
Comment: This sequence change replaces leucine, which is neutral and non-polar, with phenylalanine, which is neutral and non-polar, at codon 210 of the NDUFAF1 protein (p.Leu210Phe). This variant is not present in population databases (gnomAD no frequency). This variant has not been reported in the literature in individuals affected with NDUFAF1-related conditions. Invitae Evidence Modeling of protein sequence and biophysical properties (such as structural, functional, and spatial information, amino acid conservation, physicochemical variation, residue mobility, and thermodynamic stability) indicates that this missense variant is not expected to disrupt NDUFAF1 protein function with a negative predictive value of 80%. In summary, the available evidence is currently insufficient to determine the role of this variant in disease. Therefore, it has been classified as a Variant of Uncertain Significance.

NM_016013.4(NDUFAF1):c.628C>T (p.Leu210Phe)

Gene: NDUFAF1 (NADH:ubiquinone oxidoreductase complex assembly factor 1; minus strand). Cytogenetic location: 15q15.1.
Variant type: single nucleotide variant.
Coding change: c.628C>T on transcript NM_016013.4 (MANE Select); coding-DNA position 628, C replaced by T.
Protein change: p.Leu210Phe; replaces leucine 210 with phenylalanine.
Molecular consequence: missense variant. On other transcripts: non-coding transcript variant (1).
Genome position (GRCh38, 1-based): chr15:41,394,990, G>A on the plus strand (C>T on the coding strand, the complement: NDUFAF1 is on the minus strand). VCF-style: chr15-41394990-G-A. GRCh37 (hg19) VCF-style: chr15-41687188-G-A.
Other names: short protein forms L210F.
Identifiers: ClinVar variation 3665870 (VCV003665870.2).
Genomic context (GRCh38, chr15:41,394,990, plus strand): 5'-AGAAATCTGTGTCCTCCTTGATATTCACCATCCAAGGCCGACCATCCCCACGTACACGGA[G>A]ATACAGAGTATTGAACTGGGACCAATCGTAAGACATCTTCCTCTCAAAAGCACCCTAAGA-3'
Protein context (NP_057097.2, residues 200-220): YDWSQFNTLY[Leu210Phe]RVRGDGRPWM